The following is an entry in ClinVar:

NM_006469.5(IVNS1ABP):c.1522T>G (p.Cys508Gly)

Gene: IVNS1ABP (influenza virus NS1A binding protein; minus strand). Cytogenetic location: 1q25.3.
Variant type: single nucleotide variant.
Coding change: c.1522T>G on transcript NM_006469.5 (MANE Select); coding-DNA position 1522, T replaced by G.
Protein change: p.Cys508Gly; replaces cysteine 508 with glycine.
Molecular consequence: missense variant.
Genome position (GRCh38, 1-based): chr1:185,299,863, A>C on the plus strand (T>G on the coding strand, the complement: IVNS1ABP is on the minus strand). VCF-style: chr1-185299863-A-C. GRCh37 (hg19) VCF-style: chr1-185268995-A-C.
Other names: short protein forms C508G.
Identifiers: ClinVar variation 4852321 (VCV004852321.1).
Genomic context (GRCh38, chr1:185,299,863, plus strand): 5'-TGTTCAGACAATTCCAAGATTCTGCACCTCCGATTATGTACAAATAACCACCAAGCTCAC[A>C]GACTGCAGACTGGTGTCTCCCTACAAGAAAAGTCAAGTCAAGATTATTGCTACATCTCCC-3'
Protein context (NP_006460.2, residues 498-518): LNIRRHQSAV[Cys508Gly]ELGGYLYIIG

ClinVar aggregate classification (germline): Likely benign (1 of 4 stars; one submission).

Conditions:
Immunodeficiency 70. Identifiers: MedGen C5436501, MONDO:0033542, OMIM 618969.

gnomAD v4.1: 1 of 1,613,712 alleles (0.000062%); highest among the groups gnomAD compares: Non-Finnish European, 0.000085%; no homozygotes.

Submission:

Centre for Medical Genetics,  Mumbai
Classification: Likely benign for Immunodeficiency 70. Last evaluated: 2026-05-21. Review status: criteria provided, single submitter. Criteria: ACMG Guidelines, 2015. Collection method: provider interpretation. Allele origin: germline. Inheritance: Autosomal dominant inheritance. Affected: no. Observed: 1 variant allele, 1 heterozygote.
Comment: The variant satisfies PM2 criteria - extremely low frequency in gnomAD population databases. The variant satisfies PP3 criteria - for a missense or a splicing region variant, computational prediction tools unanimously support a deleterious effect on the gene. However, the variant satisfies BS2 criteria - present in heterozygous state in an individual that clinically does not have immunodeficiency.

Literature cited by the submitters: PubMed 32499645.